The following is an entry in ClinVar:

NM_000051.4(ATM):c.3154-7C>T

Gene: ATM (ATM serine/threonine kinase; plus strand). Cytogenetic location: 11q22.3.
Variant type: single nucleotide variant.
Coding change: c.3154-7C>T on transcript NM_000051.4 (MANE Select); 7 bases into the intron before coding-DNA position 3154, C replaced by T.
Molecular consequence: intron variant.
Genome position (GRCh38, 1-based): chr11:108,272,715, C>T. VCF-style: chr11-108272715-C-T. GRCh37 (hg19) VCF-style: chr11-108143442-C-T.
Other names: c.3154-7C>T (NM_001351834.2).
Identifiers: ClinVar variation 392981 (VCV000392981.12), dbSNP rs756615573, ClinGen allele CA16606052.

ClinVar aggregate classification (germline): Likely benign. Review status: criteria provided, multiple submitters, no conflicts (2 of 4 stars). 3 submissions from 3 submitters: Likely benign (3). Last evaluated 2025-05-27.

Conditions:
Familial cancer of breast. Also called: BREAST CANCER, FAMILIAL; hereditary breast carcinoma; Hereditary breast cancer. Identifiers: Orphanet 227535, MedGen C0346153, MONDO:0016419, OMIM 114480. Disease mechanism: loss of function.
Ataxia-telangiectasia syndrome (AT). Also called: Ataxia-telangiectasia; Cerebello-oculocutaneous telangiectasia; Immunodeficiency with ataxia telangiectasia; Ataxia-telangiectasia, complementation group D; AT, COMPLEMENTATION GROUP C; ATAXIA-TELANGIECTASIA, COMPLEMENTATION GROUP A. Identifiers: Orphanet 100, MedGen C0004135, MONDO:0008840, OMIM 208900.

Submissions (3):

Labcorp Genetics (formerly Invitae), Labcorp
Classification: Likely benign for Ataxia-telangiectasia syndrome. Last evaluated: 2025-05-27. Review status: criteria provided, single submitter. Criteria: Invitae Variant Classification Sherloc (09022015). Collection method: clinical testing. Allele origin: germline.

Myriad Genetics, Inc.
Classification: Likely benign for Familial cancer of breast. Last evaluated: 2024-05-13. Review status: criteria provided, single submitter. Criteria: Myriad Autosomal Dominant, Autosomal Recessive and X-Linked Classification Criteria (2023). Collection method: clinical testing. Allele origin: unknown.
Comment: This variant is considered likely benign. This variant is intronic and is not expected to impact mRNA splicing.

GeneDx
Classification: Likely benign. Last evaluated: 2019-03-26. Review status: criteria provided, single submitter. Criteria: GeneDx Variant Classification Process June 2021. Collection method: clinical testing. Allele origin: germline. Affected: yes.
Comment: This variant is associated with the following publications: (PMID: 25759019)